The following is an entry in ClinVar:

NM_145290.4(ADGRA3):c.3072C>G (p.Asp1024Glu)

Gene: ADGRA3 (adhesion G protein-coupled receptor A3; minus strand). Cytogenetic location: 4p15.2.
Variant type: single nucleotide variant.
Coding change: c.3072C>G on transcript NM_145290.4 (MANE Select); coding-DNA position 3072, C replaced by G.
Protein change: p.Asp1024Glu; replaces aspartic acid 1024 with glutamic acid.
Molecular consequence: missense variant.
Genome position (GRCh38, 1-based): chr4:22,388,599, G>C on the plus strand (C>G on the coding strand, the complement: ADGRA3 is on the minus strand). VCF-style: chr4-22388599-G-C. GRCh37 (hg19) VCF-style: chr4-22390222-G-C.
Other names: short protein forms D1024E.
Identifiers: ClinVar variation 4714810 (VCV004714810.1).

ClinVar aggregate classification (germline): Uncertain significance (1 of 4 stars; one submission).

Submission:

Labcorp Genetics (formerly Invitae), Labcorp
Classification: Uncertain significance. Last evaluated: 2025-03-10. Review status: criteria provided, single submitter. Criteria: Invitae Variant Classification Sherloc (09022015). Collection method: clinical testing. Allele origin: germline.
Comment: This sequence change replaces aspartic acid, which is acidic and polar, with glutamic acid, which is acidic and polar, at codon 1024 of the ADGRA3 protein (p.Asp1024Glu). This variant is not present in population databases (gnomAD no frequency). This variant has not been reported in the literature in individuals affected with ADGRA3-related conditions. An algorithm developed to predict the effect of missense changes on protein structure and function (PolyPhen-2) suggests that this variant is likely to be disruptive. In summary, the available evidence is currently insufficient to determine the role of this variant in disease. Therefore, it has been classified as a Variant of Uncertain Significance.